The following is an entry in ClinVar:

NM_001482.3(GATM):c.330A>T (p.Gln110His)

Gene: GATM (glycine amidinotransferase; minus strand). Cytogenetic location: 15q21.1.
Variant type: single nucleotide variant.
Coding change: c.330A>T on transcript NM_001482.3 (MANE Select); coding-DNA position 330, A replaced by T.
Protein change: p.Gln110His; replaces glutamine 110 with histidine.
Molecular consequence: missense variant. On other transcripts: 5 prime UTR variant (1).
Genome position (GRCh38, 1-based): chr15:45,369,480, T>A on the plus strand (A>T on the coding strand, the complement: GATM is on the minus strand). VCF-style: chr15-45369480-T-A. GRCh37 (hg19) VCF-style: chr15-45661678-T-A.
Other names: p.Q110H:CAA>CAT; c.-58A>T (NM_001321015.2); short protein forms Q110H.
Identifiers: ClinVar variation 129138 (VCV000129138.39), dbSNP rs1288775, ClinGen allele CA288886.

ClinVar aggregate classification (germline): Benign/Likely benign. Review status: criteria provided, multiple submitters, no conflicts (2 of 4 stars). 18 submissions from 17 submitters: Benign (12); Likely benign (2). 4 of the submissions do not count toward it. Last evaluated 2026-02-04.

Conditions:
Inborn genetic diseases. Identifiers: MedGen C0950123, MeSH D030342.
Fanconi renotubular syndrome 1. Also called: FRTS1; LUDER-SHELDON SYNDROME; Toni-Debre-Fanconi syndrome; Neonatal De Toni-Debre-Fanconi syndrome; De Toni-Fanconi syndrome. Identifiers: MedGen C4551503, MONDO:0024525, OMIM 134600.
Arginine:glycine amidinotransferase deficiency (CCDS3). Also called: L-Arginine:Glycine Amidinotransferase Deficiency; L-Arginine:Glycine Amidinotransferase (AGAT) Deficiency; AGAT deficiency; Creatine deficiency syndrome due to AGAT deficiency; GATM deficiency; Cerebral creatine deficiency syndrome 3. Identifiers: Orphanet 35704, MedGen C2675179, MONDO:0012996, OMIM 612718.

Allele frequency attached by ClinVar (database versions not stated): gnomAD 0.45330; TOPMed 0.49716; ESP Exome Variant Server 0.43496; 1000 Genomes Project 30x 0.61774; 1000 Genomes Project 0.61861.

Submissions (18):

Labcorp Genetics (formerly Invitae), Labcorp
Classification: Benign for Arginine:glycine amidinotransferase deficiency. Last evaluated: 2026-02-04. Review status: criteria provided, single submitter. Criteria: Invitae Variant Classification Sherloc (09022015). Collection method: clinical testing. Allele origin: germline.

Unidad de Genómica Garrahan, Hospital de Pediatría Garrahan
Classification: Benign. Last evaluated: 2024-07-15. Review status: criteria provided, single submitter. Criteria: ACMG Guidelines, 2015. Collection method: clinical testing. Allele origin: germline. Affected: no. Observed: 71 variant alleles.
Comment: This variant is classified as Benign based on local population frequency. This variant was detected in 76% of patients studied in a panel designed for Epileptic and Developmental Encephalopathy and Progressive Myoclonus Epilepsy. Number of patients: 71. Only high quality variants are reported.

Women's Health and Genetics/Laboratory Corporation of America, LabCorp
Classification: Likely benign. Last evaluated: 2021-12-03. Review status: criteria provided, single submitter. Criteria: LabCorp Variant Classification Summary - May 2015. Collection method: clinical testing. Allele origin: germline.

Genome-Nilou Lab
Classification: Benign for Arginine:glycine amidinotransferase deficiency. Last evaluated: 2021-08-10. Review status: criteria provided, single submitter. Criteria: ACMG Guidelines, 2015. Collection method: clinical testing. Allele origin: germline. Affected: no.

Genome-Nilou Lab
Classification: Benign for Fanconi renotubular syndrome 1. Last evaluated: 2021-08-10. Review status: criteria provided, single submitter. Criteria: ACMG Guidelines, 2015. Collection method: clinical testing. Allele origin: germline. Affected: no.

ARUP Laboratories, Molecular Genetics and Genomics, ARUP Laboratories
Classification: Benign. Last evaluated: 2020-07-29. Review status: criteria provided, single submitter. Criteria: ARUP Molecular Germline Variant Investigation Process. Collection method: clinical testing. Allele origin: germline.

Mendelics
Classification: Benign for Arginine:glycine amidinotransferase deficiency. Last evaluated: 2019-05-28. Review status: criteria provided, single submitter. Criteria: Mendelics Assertion Criteria 2017. Collection method: clinical testing. Allele origin: unknown.

Mayo Clinic Laboratories, Mayo Clinic
Classification: Benign. Last evaluated: 2018-04-10. Review status: criteria provided, single submitter. Criteria: ACMG Guidelines, 2015. Collection method: clinical testing. Allele origin: germline. Observed: 343 variant alleles.

Illumina Laboratory Services, Illumina
Classification: Benign for Arginine:glycine amidinotransferase deficiency. Last evaluated: 2018-01-12. Review status: criteria provided, single submitter. Criteria: ICSL Variant Classification Criteria 13 December 2019. Collection method: clinical testing. Allele origin: germline.
Comment: This variant was observed in the ICSL laboratory as part of a predisposition screen in an ostensibly healthy population. It had not been previously curated by ICSL or reported in the Human Gene Mutation Database (HGMD: prior to June 1st, 2018), and was therefore a candidate for classification through an automated scoring system. Utilizing variant allele frequency, disease prevalence and penetrance estimates, and inheritance mode, an automated score was calculated to assess if this variant is too frequent to cause the disease. Based on the score and internal cut-off values, a variant classified as benign is not then subjected to further curation. The score for this variant resulted in a classification of benign for this disease.

Athena Diagnostics
Classification: Benign. Last evaluated: 2017-04-20. Review status: criteria provided, single submitter. Criteria: Athena Diagnostics Criteria. Collection method: clinical testing. Allele origin: germline.

Ambry Genetics
Classification: Benign for Inborn genetic diseases. Last evaluated: 2016-01-08. Review status: criteria provided, single submitter. Criteria: Ambry Variant Classification Scheme 2023. Collection method: clinical testing. Allele origin: germline.

GeneDx
Classification: Benign. Last evaluated: 2013-05-21. Review status: criteria provided, single submitter. Criteria: GeneDx Variant Classification (06012015). Collection method: clinical testing. Allele origin: germline. Affected: yes.
Comment: This variant is considered likely benign or benign based on one or more of the following criteria: it is a conservative change, it occurs at a poorly conserved position in the protein, it is predicted to be benign by multiple in silico algorithms, and/or has population frequency not consistent with disease.

Breakthrough Genomics
Classification: Likely benign. Review status: criteria provided, single submitter. Criteria: ACMG Guidelines, 2015. Collection method: not provided. Allele origin: germline. Inheritance: Autosomal recessive inheritance. Affected: yes.

PreventionGenetics, part of Exact Sciences
Classification: Benign. Review status: criteria provided, single submitter. Criteria: ACMG Guidelines, 2015. Collection method: clinical testing. Allele origin: germline.

Clinical Genetics, Academic Medical Center
Classification: Benign. Review status: no assertion criteria provided. Collection method: clinical testing. Allele origin: germline. Affected: yes. Study: VKGL Data-share Consensus. Not counted in ClinVar's aggregate classification.

Diagnostic Laboratory, Department of Genetics, University Medical Center Groningen
Classification: Benign for Arginine:glycine amidinotransferase deficiency. Review status: no assertion criteria provided. Collection method: clinical testing. Allele origin: germline. Affected: yes. Study: VKGL Data-share Consensus. Not counted in ClinVar's aggregate classification.

Genetic Services Laboratory, University of Chicago
Classification: Likely benign for AllHighlyPenetrant. Review status: no assertion criteria provided. Collection method: clinical testing. Allele origin: germline. Inheritance: Autosomal recessive inheritance. Not counted in ClinVar's aggregate classification.
Comment: Likely benign based on allele frequency in 1000 Genomes Project or ESP global frequency and its presence in a patient with a rare or unrelated disease phenotype. NOT Sanger confirmed.

Joint Genome Diagnostic Labs from Nijmegen and Maastricht, Radboudumc and MUMC+
Classification: Benign. Review status: no assertion criteria provided. Collection method: clinical testing. Allele origin: germline. Affected: yes. Study: VKGL Data-share Consensus. Not counted in ClinVar's aggregate classification.